The following is an entry in ClinVar:

ClinVar aggregate classification (germline): Conflicting classifications of pathogenicity. Review status: criteria provided, conflicting classifications (1 of 4 stars). 5 submissions from 5 submitters: Uncertain significance (1); Likely benign (3). 1 of the submissions does not count toward it. Last evaluated 2026-01-28.

Conditions:
Spastic paraplegia. Identifiers: MedGen C0037772, HP:0001258.
Charlevoix-Saguenay spastic ataxia (SACS). Also called: AUTOSOMAL RECESSIVE SPASTIC ATAXIA OF CHARLEVOIX-SAGUENAY; Spastic ataxia of Charlevoix-Saguenay; SPASTIC ATAXIA 6, AUTOSOMAL RECESSIVE. Identifiers: Orphanet 98, MedGen C1849140, MONDO:0010041, OMIM 270550.

Allele frequency attached by ClinVar (database versions not stated): gnomAD 0.00001; TOPMed 0.00002; gnomAD exomes 0.00003 and 0.00004; ExAC 0.00007; ESP Exome Variant Server 0.00008.
gnomAD v4.1: 51 of 1,613,962 alleles (0.0032%); highest among the groups gnomAD compares: Middle Eastern, 0.016%; 1 homozygote.

Submissions (5):

Labcorp Genetics (formerly Invitae), Labcorp
Classification: Likely benign for Spastic paraplegia. Last evaluated: 2026-01-28. Review status: criteria provided, single submitter. Criteria: Invitae Variant Classification Sherloc (09022015). Collection method: clinical testing. Allele origin: germline.

CeGaT Center for Human Genetics Tuebingen
Classification: Likely benign. Last evaluated: 2022-06-01. Review status: criteria provided, single submitter. Criteria: CeGaT Center For Human Genetics Tuebingen Variant Classification Criteria Version 2. Collection method: clinical testing. Allele origin: germline. Affected: yes. Observed: 2 variant alleles.
Comment: SACS: BP4, BP7

Genome-Nilou Lab
Classification: Likely benign for Charlevoix-Saguenay spastic ataxia. Last evaluated: 2021-09-05. Review status: criteria provided, single submitter. Criteria: ACMG Guidelines, 2015. Collection method: clinical testing. Allele origin: germline. Affected: no.

Eurofins Ntd Llc (ga)
Classification: Uncertain significance. Last evaluated: 2015-04-15. Review status: criteria provided, single submitter. Criteria: EGL Classification Definitions 2015. Collection method: clinical testing. Allele origin: germline. Observed: 1 variant allele, 1 heterozygote.

Natera, Inc.
Classification: Likely benign for Charlevoix-Saguenay type spastic ataxia. Last evaluated: 2020-04-29. Review status: no assertion criteria provided. Collection method: clinical testing. Allele origin: germline. Not counted in ClinVar's aggregate classification.

NM_014363.6(SACS):c.8133G>A (p.Ser2711=)

Gene: SACS (sacsin molecular chaperone; minus strand). Cytogenetic location: 13q12.12.
Variant type: single nucleotide variant.
Coding change: c.8133G>A on transcript NM_014363.6 (MANE Select); coding-DNA position 8133, G replaced by A.
Protein change: p.Ser2711=; no amino-acid change (serine 2711 retained).
Molecular consequence: synonymous variant.
Genome position (GRCh38, 1-based): chr13:23,335,743, C>T on the plus strand (G>A on the coding strand, the complement: SACS is on the minus strand). VCF-style: chr13-23335743-C-T. GRCh37 (hg19) VCF-style: chr13-23909882-C-T.
Other names: c.7692G>A, p.Ser2564= (NM_001278055.2).
Identifiers: ClinVar variation 193708 (VCV000193708.55), dbSNP rs143386746, ClinGen allele CA239312.